The following is an entry in ClinVar:

NM_021930.6(RINT1):c.2320C>G (p.Gln774Glu)

Genes: EFCAB10 (EF-hand calcium binding domain 10; minus strand), RINT1 (RAD50 interactor 1; plus strand). Cytogenetic location: 7q22.3.
Variant type: single nucleotide variant.
Coding change: c.2320C>G on transcript NM_021930.6 (MANE Select); coding-DNA position 2320, C replaced by G.
Protein change: p.Gln774Glu; replaces glutamine 774 with glutamic acid.
Molecular consequence: missense variant. On other transcripts: non-coding transcript variant (1), intron variant (3), 3 prime UTR variant (2).
Genome position (GRCh38, 1-based): chr7:105,567,252, C>G. VCF-style: chr7-105567252-C-G. GRCh37 (hg19) VCF-style: chr7-105207699-C-G.
Other names: c.2086C>G, p.Gln696Glu (NM_001346599.2); c.1297C>G, p.Gln433Glu (NM_001346600.2, NM_001346603.2); c.1396C>G, p.Gln466Glu (NM_001346601.2); c.360-1805G>C (NM_001355531.2); c.383+215G>C (NM_001355526.2, NM_001355530.2); c.*202G>C (NM_001355527.2, NM_001355529.2); short protein forms Q433E, Q466E, Q774E, Q696E.
Identifiers: ClinVar variation 1398649 (VCV001398649.11), dbSNP rs1231340123, ClinGen allele CA368815628.

ClinVar aggregate classification (germline): Uncertain significance. Review status: criteria provided, multiple submitters, no conflicts (2 of 4 stars). 2 submissions from 2 submitters: Uncertain significance (2). Last evaluated 2024-09-30.

Allele frequency attached by ClinVar (database versions not stated): gnomAD exomes below 0.00001; gnomAD 0.00001; TOPMed 0.00002.
gnomAD v4.1: 3 of 1,612,928 alleles (0.00019%); highest among the groups gnomAD compares: African/African-American, 0.004%; no homozygotes.

Submissions (2):

Ambry Genetics
Classification: Uncertain significance. Last evaluated: 2024-09-30. Review status: criteria provided, single submitter. Criteria: Ambry Variant Classification Scheme 2023. Collection method: clinical testing. Allele origin: germline.
Comment: The p.Q774E variant (also known as c.2320C>G), located in coding exon 15 of the RINT1 gene, results from a C to G substitution at nucleotide position 2320. The glutamine at codon 774 is replaced by glutamic acid, an amino acid with highly similar properties. This amino acid position is conserved. In addition, this alteration is predicted to be tolerated by in silico analysis. Since supporting evidence is limited at this time, the clinical significance of this alteration remains unclear.

Labcorp Genetics (formerly Invitae), Labcorp
Classification: Uncertain significance. Last evaluated: 2021-04-13. Review status: criteria provided, single submitter. Criteria: Invitae Variant Classification Sherloc (09022015). Collection method: clinical testing. Allele origin: germline.
Comment: In summary, the available evidence is currently insufficient to determine the role of this variant in disease. Therefore, it has been classified as a Variant of Uncertain Significance. Algorithms developed to predict the effect of missense changes on protein structure and function (SIFT, PolyPhen-2, Align-GVGD) all suggest that this variant is likely to be tolerated, but these predictions have not been confirmed by published functional studies and their clinical significance is uncertain. This variant has not been reported in the literature in individuals with RINT1-related conditions. This variant is not present in population databases (ExAC no frequency). This sequence change replaces glutamine with glutamic acid at codon 774 of the RINT1 protein (p.Gln774Glu). The glutamine residue is moderately conserved and there is a small physicochemical difference between glutamine and glutamic acid.